The following is an entry in ClinVar:

ClinVar aggregate classification (germline): Uncertain significance (1 of 4 stars; one submission).

Allele frequency attached by ClinVar (database versions not stated): gnomAD exomes below 0.00001; ExAC 0.00001; gnomAD 0.00002; TOPMed 0.00002.
gnomAD v4.1: 5 of 1,612,666 alleles (0.00031%); highest among the groups gnomAD compares: Middle Eastern, 0.016%; no homozygotes.

Submission:

Labcorp Genetics (formerly Invitae), Labcorp
Classification: Uncertain significance. Last evaluated: 2022-08-21. Review status: criteria provided, single submitter. Criteria: Invitae Variant Classification Sherloc (09022015). Collection method: clinical testing. Allele origin: germline.
Comment: This sequence change replaces isoleucine, which is neutral and non-polar, with valine, which is neutral and non-polar, at codon 744 of the SPEG protein (p.Ile744Val). The frequency data for this variant in the population databases is considered unreliable, as metrics indicate poor data quality at this position in the gnomAD database. This variant has not been reported in the literature in individuals affected with SPEG-related conditions. Algorithms developed to predict the effect of missense changes on protein structure and function are either unavailable or do not agree on the potential impact of this missense change (SIFT: "Tolerated"; PolyPhen-2: "Possibly Damaging"; Align-GVGD: "Class C0"). In summary, the available evidence is currently insufficient to determine the role of this variant in disease. Therefore, it has been classified as a Variant of Uncertain Significance.

NM_005876.5(SPEG):c.2230A>G (p.Ile744Val)

Gene: SPEG (striated muscle enriched protein kinase; plus strand). Cytogenetic location: 2q35.
Variant type: single nucleotide variant.
Coding change: c.2230A>G on transcript NM_005876.5 (MANE Select); coding-DNA position 2230, A replaced by G.
Protein change: p.Ile744Val; replaces isoleucine 744 with valine.
Molecular consequence: missense variant.
Genome position (GRCh38, 1-based): chr2:219,451,252, A>G. VCF-style: chr2-219451252-A-G. GRCh37 (hg19) VCF-style: chr2-220315974-A-G.
Other names: short protein forms I744V.
Identifiers: ClinVar variation 1935538 (VCV001935538.5), dbSNP rs781248455, ClinGen allele CA2125773.